The following is an entry in ClinVar:

NM_000278.5(PAX2):c.685C>T (p.Arg229Ter)

Gene: PAX2 (paired box 2; plus strand). Cytogenetic location: 10q24.31.
Variant type: single nucleotide variant.
Coding change: c.685C>T on transcript NM_000278.5 (MANE Select); coding-DNA position 685, C replaced by T.
Protein change: p.Arg229Ter; replaces arginine 229 with a stop codon.
Molecular consequence: nonsense.
Genome position (GRCh38, 1-based): chr10:100,806,498, C>T. VCF-style: chr10-100806498-C-T. GRCh37 (hg19) VCF-style: chr10-102566255-C-T.
Other names: c.778C>T, p.Arg260Ter (NM_001304569.2); c.754C>T, p.Arg252Ter (NM_003987.5, NM_003990.5); c.685C>T, p.Arg229Ter (NM_003988.5, NM_003989.5); c.754C>T (NM_003990.3); short protein forms R229*, R252*, R260*.
Identifiers: ClinVar variation 156294 (VCV000156294.16), dbSNP rs76492282, ClinGen allele CA233167.

ClinVar aggregate classification (germline): Pathogenic. Review status: criteria provided, multiple submitters, no conflicts (2 of 4 stars). 10 submissions from 10 submitters: Pathogenic (8). 2 of the submissions do not count toward it. Last evaluated 2026-02-05.

Conditions:
PAX2-Related Disorder. Also called: PAX2-related disorders. Identifiers: MedGen CN381309.
Renal coloboma syndrome (PAPRS). Also called: COLOBOMA OF OPTIC NERVE WITH RENAL DISEASE; CONGENITAL ANOMALIES OF THE KIDNEY AND URINARY TRACT WITH OR WITHOUT OCULAR ABNORMALITIES; CAKUT WITH OR WITHOUT OCULAR ABNORMALITIES; OPTIC COLOBOMA, VESICOURETERAL REFLUX, AND RENAL ANOMALIES; OPTIC NERVE COLOBOMA WITH RENAL DISEASE; RENAL-COLOBOMA SYNDROME WITH MACULAR ABNORMALITIES. Identifiers: Orphanet 1475, MedGen C1852759, MONDO:0007352, OMIM 120330.
Focal segmental glomerulosclerosis 7 (FSGS7). Identifiers: Orphanet 656, MedGen C4014925, MONDO:0014451, OMIM 616002.

Submissions (10):

GeneDx
Classification: Pathogenic. Last evaluated: 2026-02-05. Review status: criteria provided, single submitter. Criteria: GeneDx Variant Classification Process June 2021. Collection method: clinical testing. Allele origin: germline.
Comment: Has been reported (as p.R229* or c.1289C>T due to use of alternate nomenclature) in association with features of PAX2-related ocular and renal anomalies in the published literature (PMID: 10587573, 23539225, 36549658); Nonsense variant predicted to result in protein truncation or nonsense mediated decay in a gene for which loss of function is a known mechanism of disease; Not observed at significant frequency in large population cohorts (gnomAD); This variant is associated with the following publications: (PMID: 10587573, 35444690, 35776267, 39994403, 40282888, 21654726, 34696790, 23539225, 36549658)

Institute of Human Genetics, University of Leipzig Medical Center
Classification: Pathogenic for Renal coloboma syndrome. Last evaluated: 2025-08-25. Review status: criteria provided, single submitter. Criteria: ACMG Guidelines, 2015. Collection method: clinical testing. Allele origin: unknown. Inheritance: Autosomal dominant inheritance. Affected: yes.
Comment: Criteria applied: PVS1,PS4_MOD,PM2

Labcorp Genetics (formerly Invitae), Labcorp
Classification: Pathogenic for Renal coloboma syndrome; Focal segmental glomerulosclerosis 7. Last evaluated: 2025-07-02. Review status: criteria provided, single submitter. Criteria: Invitae Variant Classification Sherloc (09022015). Collection method: clinical testing. Allele origin: germline.
Comment: This sequence change creates a premature translational stop signal (p.Arg229*) in the PAX2 gene. It is expected to result in an absent or disrupted protein product. Loss-of-function variants in PAX2 are known to be pathogenic (PMID: 11461952, 24676634, 35444690). This variant is not present in population databases (gnomAD no frequency). This premature translational stop signal has been observed in individual(s) with PAX2-related conditions (PMID: 23539225, 34696790, 35444690). In at least one individual the variant was observed to be de novo. This variant is also known as c.754C>T (p.Arg252*). ClinVar contains an entry for this variant (Variation ID: 156294). For these reasons, this variant has been classified as Pathogenic.

3billion
Classification: Pathogenic for PAX2-related disorder. Last evaluated: 2025-01-20. Review status: criteria provided, single submitter. Criteria: ACMG Guidelines, 2015. Collection method: clinical testing. Allele origin: germline. Affected: yes.
Comment: The variant is not observed in the gnomAD v4.1.0 dataset. Predicted Consequence/Location: Stop-gained (nonsense): predicted to result in a loss or disruption of normal protein function through nonsense-mediated decay (NMD) or protein truncation. Multiple pathogenic variants are reported downstream of the variant. The variant has been reported at least twice as pathogenic with clinical assertions and evidence for the classification (ClinVar ID: VCV000156294 /PMID: 10587573 /3billion dataset). Therefore, this variant is classified as Pathogenic according to the recommendation of ACMG/AMP guideline.

MVZ Medizinische Genetik Mainz
Classification: Pathogenic for Renal coloboma syndrome. Last evaluated: 2024-07-30. Review status: criteria provided, single submitter. Criteria: UK Practice Guidelines For Variant Classification V4 01 2020. Collection method: clinical testing. Allele origin: germline. Inheritance: Autosomal dominant inheritance. Affected: yes. Observed: 1 variant allele.

Fulgent Genetics
Classification: Pathogenic for Renal coloboma syndrome; Focal segmental glomerulosclerosis 7. Last evaluated: 2024-05-02. Review status: criteria provided, single submitter. Criteria: ACMG Guidelines, 2015. Collection method: clinical testing. Allele origin: germline.

Dasa
Classification: Pathogenic for Focal segmental glomerulosclerosis 7. Last evaluated: 2022-01-05. Review status: criteria provided, single submitter. Criteria: ACMG Guidelines, 2015. Collection method: clinical testing. Allele origin: germline. Affected: yes. Observed: 1 variant allele.
Comment: Thec.685C>T;p.(Arg229*) variant creates a premature translational stop signal in the PAX2 gene. It is expected to result in an absent or disrupted protein product -PVS1. This sequence change has been observed in affected individual(s) and ClinVar contains an entry for this variant (ClinVar ID: 156294; PMID: 21654726; 23539225) - PS4. This variant is not present in population databases (rs76492282, gnomAD; ABraOM no frequency) - PM2. In summary, the currently available evidence indicates that the variant is pathogenic.

Institute of Medical Genetics and Applied Genomics, University Hospital Tübingen
Classification: Pathogenic. Last evaluated: 2021-06-17. Review status: criteria provided, single submitter. Criteria: ACMG Guidelines, 2015. Collection method: clinical testing. Allele origin: germline. Inheritance: Autosomal dominant inheritance. Affected: yes.

Gharavi Laboratory, Columbia University
Classification: Pathogenic for Papillorenal syndrome. Last evaluated: 2024-11-05. Review status: no assertion criteria provided. Criteria: ACMG Guidelines, 2015. Collection method: case-control. Allele origin: germline. Affected: yes. Not counted in ClinVar's aggregate classification.

ClinVar Staff, National Center for Biotechnology Information (NCBI)
No classification provided. Review status: no classification provided. Collection method: not provided. Allele origin: unknown. Not counted in ClinVar's aggregate classification.
Comment: Based on information supplied by Graeme Grimes.

Literature cited by the submitters: PubMed 11461952 (cited by Labcorp Genetics (formerly Invitae), Labcorp); PubMed 24676634 (cited by Labcorp Genetics (formerly Invitae), Labcorp); PubMed 35444690 (cited by Labcorp Genetics (formerly Invitae), Labcorp); PubMed 23539225 (cited by Labcorp Genetics (formerly Invitae), Labcorp and Dasa); PubMed 34696790 (cited by Labcorp Genetics (formerly Invitae), Labcorp); PubMed 10587573 (cited by 3billion); PubMed 21654726 (cited by Dasa).